The following is an entry in ClinVar:

NM_198253.3(TERT):c.2320C>T (p.Arg774Ter)

Gene: TERT (telomerase reverse transcriptase; minus strand). Cytogenetic location: 5p15.33.
Variant type: single nucleotide variant.
Coding change: c.2320C>T on transcript NM_198253.3 (MANE Select); coding-DNA position 2320, C replaced by T.
Protein change: p.Arg774Ter; replaces arginine 774 with a stop codon.
Molecular consequence: nonsense.
Genome position (GRCh38, 1-based): chr5:1,272,247, G>A on the plus strand (C>T on the coding strand, the complement: TERT is on the minus strand). VCF-style: chr5-1272247-G-A. GRCh37 (hg19) VCF-style: chr5-1272362-G-A.
Other names: c.2320C>T, p.Arg774Ter (NM_001193376.3); short protein forms R774*.
Identifiers: ClinVar variation 446373 (VCV000446373.12), dbSNP rs770066110, ClinGen allele CA3184569.

ClinVar aggregate classification (germline): Pathogenic/Likely pathogenic. Review status: criteria provided, multiple submitters, no conflicts (2 of 4 stars). 5 submissions from 5 submitters: Pathogenic (4); Likely pathogenic (1). Last evaluated 2026-01-19.

Conditions:
Dyskeratosis congenita, autosomal dominant 2. Identifiers: MedGen C3151443, MONDO:0013521, OMIM 613989.
Idiopathic Pulmonary Fibrosis. Also called: Idiopathic fibrosing alveolitis, chronic form; idiopathic fibrosing alveolitis. Identifiers: Orphanet 2032, MedGen C1800706, MeSH D054990, MONDO:0800504.
TERT-related disorder. Also called: TERT-related condition; TERT-related disorders.

Allele frequency attached by ClinVar (database versions not stated): TOPMed below 0.00001; gnomAD 0.00009.
gnomAD v4.1: 45 of 1,612,636 alleles (0.0028%); highest among the groups gnomAD compares: Non-Finnish European, 0.00025%; no homozygotes.

Submissions (5):

Dasa
Classification: Pathogenic. Last evaluated: 2026-01-19. Review status: criteria provided, single submitter. Criteria: DASA Assertion Criteria. Collection method: clinical testing. Allele origin: germline.
Comment: NM_198253.3(TERT):c.2320C>T (p.Arg774*) introduces a premature stop codon expected to result in loss of telomerase reverse transcriptase activity. Loss-of-function is an established mechanism of disease for this gene, and the variant has been reported in individuals with telomere biology disorders (PMID: 29483670). Additionally, it is present at low frequency in population datasets. Based on the available data, this variant is classified as pathogenic.

GeneDx
Classification: Likely pathogenic. Last evaluated: 2025-05-23. Review status: criteria provided, single submitter. Criteria: GeneDx Variant Classification Process June 2021. Collection method: clinical testing. Allele origin: germline. Affected: yes.
Comment: Nonsense variant predicted to result in protein truncation or nonsense mediated decay in a gene for which loss of function is a known mechanism of disease; This variant is associated with the following publications: (PMID: 38867203, Sidali2023[Preprint], 29483670, 35083318)

Blueprint Genetics
Classification: Pathogenic for TERT-related disorders. Last evaluated: 2024-09-06. Review status: criteria provided, single submitter. Criteria: ACMG Guidelines, 2015. Collection method: clinical testing. Allele origin: germline. Affected: yes. Observed: 5 variant alleles.

Labcorp Genetics (formerly Invitae), Labcorp
Classification: Pathogenic for Dyskeratosis congenita, autosomal dominant 2; Idiopathic Pulmonary Fibrosis. Last evaluated: 2023-05-27. Review status: criteria provided, single submitter. Criteria: Invitae Variant Classification Sherloc (09022015). Collection method: clinical testing. Allele origin: germline.
Comment: For these reasons, this variant has been classified as Pathogenic. ClinVar contains an entry for this variant (Variation ID: 446373). This premature translational stop signal has been observed in individual(s) with clinical features consistent with TERT-related conditions (PMID: 29483670). This variant is present in population databases (rs770066110, gnomAD 0.06%). This sequence change creates a premature translational stop signal (p.Arg774*) in the TERT gene. It is expected to result in an absent or disrupted protein product. Loss-of-function variants in TERT are known to be pathogenic (PMID: 16247010, 17460043).

Degerman lab, Umeå University
Classification: Pathogenic for Dyskeratosis congenita, autosomal dominant 2. Last evaluated: 2017-11-23. Review status: criteria provided, single submitter. Criteria: ACMG Guidelines, 2015. Collection method: clinical testing. Allele origin: unknown. Affected: yes. Observed: 1 variant allele.

Literature cited by the submitters: PubMed 29483670 (cited by 3 submitters); PubMed 16247010 (cited by Dasa and Labcorp Genetics (formerly Invitae), Labcorp); PubMed 17460043 (cited by Dasa and Labcorp Genetics (formerly Invitae), Labcorp).